The following is an entry in ClinVar:

NM_198506.5(LRIT3):c.708G>T (p.Glu236Asp)

Gene: LRIT3 (leucine rich repeat, Ig-like and transmembrane domains 3; plus strand). Cytogenetic location: 4q25.
Variant type: single nucleotide variant.
Coding change: c.708G>T on transcript NM_198506.5 (MANE Select); coding-DNA position 708, G replaced by T.
Protein change: p.Glu236Asp; replaces glutamic acid 236 with aspartic acid.
Molecular consequence: missense variant.
Genome position (GRCh38, 1-based): chr4:109,867,759, G>T. VCF-style: chr4-109867759-G-T. GRCh37 (hg19) VCF-style: chr4-110788915-G-T.
Other names: short protein forms E236D.
Identifiers: ClinVar variation 850609 (VCV000850609.4), dbSNP rs1399389910, ClinGen allele CA357867190.

ClinVar aggregate classification (germline): Uncertain significance (1 of 4 stars; one submission).

Allele frequency attached by ClinVar (database versions not stated): gnomAD exomes below 0.00001; TOPMed 0.00001.
gnomAD v4.1: 2 of 1,614,186 alleles (0.00012%); highest among the groups gnomAD compares: Admixed American, 0.0033%; no homozygotes.

Submission:

Labcorp Genetics (formerly Invitae), Labcorp
Classification: Uncertain significance. Last evaluated: 2022-05-05. Review status: criteria provided, single submitter. Criteria: Invitae Variant Classification Sherloc (09022015). Collection method: clinical testing. Allele origin: germline.
Comment: This sequence change replaces glutamic acid, which is acidic and polar, with aspartic acid, which is acidic and polar, at codon 236 of the LRIT3 protein (p.Glu236Asp). This variant is present in population databases (no rsID available, gnomAD 0.003%). This variant has not been reported in the literature in individuals affected with LRIT3-related conditions. ClinVar contains an entry for this variant (Variation ID: 850609). Algorithms developed to predict the effect of missense changes on protein structure and function (SIFT, PolyPhen-2, Align-GVGD) all suggest that this variant is likely to be tolerated. In summary, the available evidence is currently insufficient to determine the role of this variant in disease. Therefore, it has been classified as a Variant of Uncertain Significance.